The following is an entry in ClinVar:

NM_000439.5(PCSK1):c.813T>C (p.Asn271=)

Genes: CAST (calpastatin; plus strand), PCSK1 (proprotein convertase subtilisin/kexin type 1; minus strand), LOC101929710 (uncharacterized LOC101929710; plus strand). Cytogenetic location: 5q15.
Variant type: single nucleotide variant.
Coding change: c.813T>C on transcript NM_000439.5 (MANE Select); coding-DNA position 813, T replaced by C.
Protein change: p.Asn271=; no amino-acid change (asparagine 271 retained).
Molecular consequence: synonymous variant. On other transcripts: intron variant (11).
Genome position (GRCh38, 1-based): chr5:96,412,387, A>G on the plus strand (T>C on the coding strand, the complement: PCSK1 is on the minus strand). VCF-style: chr5-96412387-A-G. GRCh37 (hg19) VCF-style: chr5-95748091-A-G.
Other names: c.672T>C, p.Asn224= (NM_001177875.2); c.-175+32735A>G (NM_001423254.1, NM_001423259.1, NM_001423255.1 and 6 more transcripts); c.-103+32735A>G (NM_001423253.1); c.-40+32735A>G (NM_001423258.1).
Identifiers: ClinVar variation 3353622 (VCV003353622.1).

ClinVar aggregate classification (germline): Likely benign (0 of 4 stars; one submission).

Conditions:
PCSK1-related disorder. Also called: PCSK1-related condition.

gnomAD v4.1: 1 of 1,614,068 alleles (0.000062%); highest among the groups gnomAD compares: African/African-American, 0.0013%; no homozygotes.

Submission:

PreventionGenetics, part of Exact Sciences
Classification: Likely benign for PCSK1-related condition. Last evaluated: 2022-10-27. Review status: no assertion criteria provided. Collection method: clinical testing. Allele origin: germline.
Comment: This variant is classified as likely benign based on ACMG/AMP sequence variant interpretation guidelines (Richards et al. 2015 PMID: 25741868, with internal and published modifications).